The following is an entry in ClinVar:

NC_000004.11:g.(?_36317844)_(36318128_?)del

Gene: DTHD1 (death domain containing 1; plus strand). Cytogenetic location: 4p14.
Variant type: Deletion.
Identifiers: ClinVar variation 2423820 (VCV002423820.4).

ClinVar aggregate classification (germline): Uncertain significance (1 of 4 stars; one submission).

Submission:

Labcorp Genetics (formerly Invitae), Labcorp
Classification: Uncertain significance. Last evaluated: 2023-09-06. Review status: criteria provided, single submitter. Criteria: Invitae Variant Classification Sherloc (09022015). Collection method: clinical testing. Allele origin: germline.
Comment: This variant is a gross deletion of the genomic region encompassing exon(s) 7 of the DTHD1 gene. This deletion is out-of-frame, and is expected to create a premature translational stop signal and result in an absent or disrupted protein product. However, the current clinical and genetic evidence is not sufficient to establish whether loss-of-function variants in DTHD1 cause disease. This variant has not been reported in the literature in individuals affected with DTHD1-related conditions. In summary, the available evidence is currently insufficient to determine the role of this variant in disease. Therefore, it has been classified as a Variant of Uncertain Significance.